The following is an entry in ClinVar:

ClinVar aggregate classification (germline): Likely benign (0 of 4 stars; one submission).

Conditions:
GNAS-related disorder. Identifiers: MedGen CN380105.

Allele frequency attached by ClinVar (database versions not stated): gnomAD exomes 0.00002; ESP Exome Variant Server 0.00008; TOPMed 0.00003; ExAC 0.00004; gnomAD 0.00002.
gnomAD v4.1: 29 of 1,612,774 alleles (0.0018%); highest among the groups gnomAD compares: Non-Finnish European, 0.0025%; no homozygotes.

Submission:

PreventionGenetics, part of Exact Sciences
Classification: Likely benign for GNAS-related condition. Last evaluated: 2022-08-07. Review status: no assertion criteria provided. Collection method: clinical testing. Allele origin: germline.
Comment: This variant is classified as likely benign based on ACMG/AMP sequence variant interpretation guidelines (Richards et al. 2015 PMID: 25741868, with internal and published modifications).

NM_016592.5(GNAS):c.729G>A (p.Arg243=)

Genes: GNAS (GNAS complex locus; plus strand), GNAS-AS1 (GNAS antisense RNA 1; minus strand). Cytogenetic location: 20q13.32.
Variant type: single nucleotide variant.
Coding change: c.729G>A on transcript NM_016592.5 (MANE Plus Clinical); coding-DNA position 729, G replaced by A.
Protein change: p.Arg243=; no amino-acid change (arginine 243 retained).
Molecular consequence: synonymous variant. On other transcripts: 5 prime UTR variant (1).
Genome position (GRCh38, 1-based): chr20:58,840,835, G>A. VCF-style: chr20-58840835-G-A. GRCh37 (hg19) VCF-style: chr20-57415890-G-A.
Other names: c.-9G>A (NM_001410912.1).
Identifiers: ClinVar variation 3032975 (VCV003032975.2), dbSNP rs80141274, ClinGen allele CA9926393.